The following is an entry in ClinVar:

NM_000179.3(MSH6):c.2467A>T (p.Ser823Cys)

Gene: MSH6 (mutS homolog 6; plus strand). Cytogenetic location: 2p16.3.
Variant type: single nucleotide variant.
Coding change: c.2467A>T on transcript NM_000179.3 (MANE Select); coding-DNA position 2467, A replaced by T.
Protein change: p.Ser823Cys; replaces serine 823 with cysteine.
Molecular consequence: missense variant. On other transcripts: non-coding transcript variant (5), intron variant (3).
Genome position (GRCh38, 1-based): chr2:47,800,450, A>T. VCF-style: chr2-47800450-A-T. GRCh37 (hg19) VCF-style: chr2-48027589-A-T.
Other names: c.2077A>T, p.Ser693Cys (NM_001281492.2); c.1561A>T, p.Ser521Cys (NM_001281493.2, NM_001281494.2, NM_001406811.1 and 6 more transcripts); c.2563A>T, p.Ser855Cys (NM_001406795.1, NM_001406802.1); c.2467A>T, p.Ser823Cys (NM_001406796.1, NM_001406798.1, NM_001406800.1 and 2 more transcripts); c.2170A>T, p.Ser724Cys (NM_001406797.1, NM_001406801.1, NM_001406805.1 and 10 more transcripts); c.1942A>T, p.Ser648Cys (NM_001406799.1, NM_001406806.1, NM_001406807.1); c.2389A>T, p.Ser797Cys (NM_001406804.1); c.2473A>T, p.Ser825Cys (NM_001406813.1); and 4 more; short protein forms S648C, S797C, S823C, S855C, S693C, S767C, S521C, S724C.
Identifiers: ClinVar variation 3398928 (VCV003398928.1).

ClinVar aggregate classification (germline): Uncertain significance (1 of 4 stars; one submission).

Conditions:
Hereditary cancer-predisposing syndrome. Also called: Hereditary Cancer Syndrome; Tumor predisposition; Hereditary neoplastic syndrome; Neoplastic Syndromes, Hereditary. Identifiers: Orphanet 140162, MedGen C0027672, MeSH D009386, MONDO:0015356.

Submission:

Ambry Genetics
Classification: Uncertain significance for Hereditary cancer-predisposing syndrome. Last evaluated: 2024-09-23. Review status: criteria provided, single submitter. Criteria: Ambry Variant Classification Scheme 2023. Collection method: clinical testing. Allele origin: germline.
Comment: The p.S823C variant (also known as c.2467A>T), located in coding exon 4 of the MSH6 gene, results from an A to T substitution at nucleotide position 2467. The serine at codon 823 is replaced by cysteine, an amino acid with dissimilar properties. This amino acid position is conserved. In addition, this alteration is predicted to be deleterious by in silico analysis. Based on the available evidence, the clinical significance of this variant remains unclear.